The following is an entry in ClinVar:

NM_001379659.1(ZNF142):c.5357A>C (p.Lys1786Thr)

Gene: ZNF142 (zinc finger protein 142; minus strand). Cytogenetic location: 2q35.
Variant type: single nucleotide variant.
Coding change: c.5357A>C on transcript NM_001379659.1 (MANE Select); coding-DNA position 5357, A replaced by C.
Protein change: p.Lys1786Thr; replaces lysine 1786 with threonine.
Molecular consequence: missense variant.
Genome position (GRCh38, 1-based): chr2:218,638,646, T>G on the plus strand (A>C on the coding strand, the complement: ZNF142 is on the minus strand). VCF-style: chr2-218638646-T-G. GRCh37 (hg19) VCF-style: chr2-219503369-T-G.
Other names: c.4268A>C, p.Lys1423Thr (NM_001366288.3, NM_001366289.3, NM_001366287.3); c.5357A>C, p.Lys1786Thr (NM_001366290.3, NM_001379660.1, NM_001379661.1); c.4757A>C, p.Lys1586Thr (NM_001366291.3, NM_001105537.5, NM_001379662.1); short protein forms K1586T, K1786T, K1423T.
Identifiers: ClinVar variation 3474300 (VCV003474300.2).

ClinVar aggregate classification (germline): Likely benign. Review status: criteria provided, multiple submitters, no conflicts (2 of 4 stars). 2 submissions from 2 submitters: Likely benign (2). Last evaluated 2026-06-01.

Conditions:
Inborn genetic diseases. Identifiers: MedGen C0950123, MeSH D030342.

Submissions (2):

CeGaT Center for Human Genetics Tuebingen
Classification: Likely benign. Last evaluated: 2026-06-01. Review status: criteria provided, single submitter. Criteria: CeGaT Center For Human Genetics Tuebingen Variant Classification Criteria Version 2. Collection method: clinical testing. Allele origin: germline. Affected: yes. Observed: 1 variant allele.
Comment: ZNF142: BS2

Ambry Genetics
Classification: Likely benign for Inborn genetic diseases. Last evaluated: 2024-09-05. Review status: criteria provided, single submitter. Criteria: Ambry Variant Classification Scheme 2023. Collection method: clinical testing. Allele origin: germline.